The following is an entry in ClinVar:

ClinVar aggregate classification (germline): Benign (1 of 4 stars; one submission).

Conditions:
MELAS syndrome (MELAS). Also called: Juvenile myopathy, encephalopathy, lactic acidosis, stroke. Identifiers: Orphanet 550, MedGen C0162671, MONDO:0010789, OMIM 540000.

Submission:

Wong Mito Lab, Molecular and Human Genetics, Baylor College of Medicine
Classification: Benign for MELAS syndrome. Last evaluated: 2019-07-12. Review status: criteria provided, single submitter. Criteria: Modified ACMG Guidelines (Unpublished). Collection method: clinical testing. Allele origin: germline.
Comment: The NC_012920.1:m.14727T>C variant in MT-TE gene is interpreted to be a Benign variant based on the modified ACMG guidelines (unpublished). This variant meets the following evidence codes reported in the guidelines: BS1, BS2, BP4

Literature cited by the submitters: PubMed 31965079.

NC_012920.1(MT-TE):m.14727T>C

Gene: MT-TE (mitochondrially encoded tRNA glutamic acid; minus strand).
Variant type: single nucleotide variant.
Genome position: chrM-14727-T-C.
Identifiers: ClinVar variation 690209 (VCV000690209.1), dbSNP rs1603224847, ClinGen allele CA913171930.